The following is an entry in ClinVar:

NM_000515.5(GH1):c.-47A>G

Genes: GH-LCR (growth hormone locus control region; plus strand), GH1 (growth hormone 1; minus strand). Cytogenetic location: 17q23.3.
Variant type: single nucleotide variant.
Coding change: c.-47A>G on transcript NM_000515.5 (MANE Select); 47 bases upstream of the start codon, A replaced by G.
Molecular consequence: 5 prime UTR variant.
Genome position (GRCh38, 1-based): chr17:63,918,823, T>C on the plus strand (A>G on the coding strand, the complement: GH1 is on the minus strand). VCF-style: chr17-63918823-T-C. GRCh37 (hg19) VCF-style: chr17-61996183-T-C.
Other names: c.-47A>G (NM_022559.4, NM_022560.4).
Identifiers: ClinVar variation 891386 (VCV000891386.6), dbSNP rs9282699, ClinGen allele CA8708447.

ClinVar aggregate classification (germline): Likely benign. Review status: criteria provided, multiple submitters, no conflicts (2 of 4 stars). 3 submissions from 3 submitters: Likely benign (3). Last evaluated 2021-06-19.

Conditions:
Decreased response to growth hormone stimulation test. Also called: Growth hormone deficiency. Identifiers: MedGen C5539399, HP:0000824.

Allele frequency attached by ClinVar (database versions not stated): 1000 Genomes Project 30x 0.02155; 1000 Genomes Project 0.02177; ExAC 0.02182; gnomAD exomes 0.02191 and 0.02549; gnomAD 0.02690 and 0.02774; ESP Exome Variant Server 0.02769; TOPMed 0.02888.

Submissions (3):

GeneDx
Classification: Likely benign. Last evaluated: 2021-06-19. Review status: criteria provided, single submitter. Criteria: GeneDx Variant Classification Process June 2021. Collection method: clinical testing. Allele origin: germline. Affected: yes.
Comment: See Variant Classification Assertion Criteria.

Illumina Laboratory Services, Illumina
Classification: Likely benign for Growth hormone deficiency. Last evaluated: 2018-01-18. Review status: criteria provided, single submitter. Criteria: ICSL Variant Classification Criteria 13 December 2019. Collection method: clinical testing. Allele origin: germline.
Comment: This variant was observed as part of a predisposition screen in an ostensibly healthy population. A literature search was performed for the gene, cDNA change, and amino acid change (where applicable). Publications were found based on this search. The evidence from the literature, in combination with allele frequency data from public databases where available, was sufficient to determine this variant is unlikely to cause disease. Therefore, this variant is classified as likely benign.

Breakthrough Genomics
Classification: Likely benign. Review status: criteria provided, single submitter. Criteria: ACMG Guidelines, 2015. Collection method: not provided. Allele origin: germline. Inheritance: Autosomal recessive inheritance. Affected: yes.

Literature cited by the submitters: PubMed 12655556 (cited by Illumina Laboratory Services, Illumina).